The following is an entry in ClinVar:

ClinVar aggregate classification (germline): Benign/Likely benign. Review status: criteria provided, multiple submitters, no conflicts (2 of 4 stars). 13 submissions from 13 submitters: Benign (8); Likely benign (1). 4 of the submissions do not count toward it. Last evaluated 2026-02-03.

Conditions:
Heterotopia, periventricular, X-linked dominant (PVNH1). Also called: PERIVENTRICULAR NODULAR HETEROTOPIA 4; HETEROTOPIA, PERIVENTRICULAR, 1; PERIVENTRICULAR NODULAR HETEROTOPIA 1; X-linked periventricular heterotopia. Identifiers: Orphanet 2149, Orphanet 82004, MedGen C1848213, MONDO:0010233, OMIM 300049.
Oto-palato-digital syndrome, type II (OPD2). Also called: Otopalatodigital Syndrome, Type II; FACIOPALATOOSSEOUS SYNDROME; OPD II SYNDROME; Otopalatodigital Syndrome Type 2 (FLNA-OPD2). Identifiers: Orphanet 669, Orphanet 90652, MedGen C1844696, MONDO:0010571, OMIM 304120.
Frontometaphyseal dysplasia (FMD1). Identifiers: Orphanet 1826, MedGen C0265293, MONDO:0015942.
Melnick-Needles syndrome (MNS). Also called: MELNICK-NEEDLES OSTEODYSPLASTY; OSTEODYSPLASTY OF MELNICK AND NEEDLES; Melnick-Needles Syndrome (FLNA-MNS). Identifiers: Orphanet 2484, MedGen C0025237, MONDO:0010650, OMIM 309350.
FLNA-related disorder.
Familial thoracic aortic aneurysm and aortic dissection (TAAD). Also called: Thoracic aortic aneurysms and dissections. Identifiers: Orphanet 91387, MedGen C4707243, MONDO:0019625.

Allele frequency attached by ClinVar (database versions not stated): gnomAD exomes 0.00050 and 0.00104; ExAC 0.00118; ESP Exome Variant Server 0.00274; gnomAD 0.00286 and 0.00295; TOPMed 0.00314; 1000 Genomes Project 30x 0.00354; 1000 Genomes Project 0.00371.
gnomAD v4.1: 940 of 1,210,037 alleles (0.078%); highest among the groups gnomAD compares: African/African-American, 0.94%; 7 homozygotes.

Submissions (13):

Labcorp Genetics (formerly Invitae), Labcorp
Classification: Benign for Oto-palato-digital syndrome, type II; Heterotopia, periventricular, X-linked dominant; Frontometaphyseal dysplasia; Melnick-Needles syndrome. Last evaluated: 2026-02-03. Review status: criteria provided, single submitter. Criteria: Invitae Variant Classification Sherloc (09022015). Collection method: clinical testing. Allele origin: germline.

Blueprint Genetics
Classification: Likely benign. Last evaluated: 2024-11-21. Review status: criteria provided, single submitter. Criteria: ACMG Guidelines, 2015. Collection method: clinical testing. Allele origin: germline.

Mayo Clinic Laboratories, Mayo Clinic
Classification: Benign. Last evaluated: 2024-01-31. Review status: criteria provided, single submitter. Criteria: ACMG Guidelines, 2015. Collection method: clinical testing. Allele origin: germline. Observed: 16 variant alleles.
Comment: BS1, BP4, BP7

Women's Health and Genetics/Laboratory Corporation of America, LabCorp
Classification: Benign. Last evaluated: 2023-08-10. Review status: criteria provided, single submitter. Criteria: LabCorp Variant Classification Summary - May 2015. Collection method: clinical testing. Allele origin: germline.

ARUP Laboratories, Molecular Genetics and Genomics, ARUP Laboratories
Classification: Benign. Last evaluated: 2020-05-21. Review status: criteria provided, single submitter. Criteria: ARUP Molecular Germline Variant Investigation Process. Collection method: clinical testing. Allele origin: germline.

Ambry Genetics
Classification: Benign for Familial thoracic aortic aneurysm and aortic dissection. Last evaluated: 2015-12-02. Review status: criteria provided, single submitter. Criteria: Ambry Variant Classification Scheme 2023. Collection method: clinical testing. Allele origin: germline.

Eurofins Ntd Llc (ga)
Classification: Benign. Last evaluated: 2015-03-13. Review status: criteria provided, single submitter. Criteria: EGL Classification Definitions 2015. Collection method: clinical testing. Allele origin: germline. Observed: 1 variant allele, 1 hemizygote.

GeneDx
Classification: Benign. Last evaluated: 2014-10-30. Review status: criteria provided, single submitter. Criteria: GeneDx Variant Classification (06012015). Collection method: clinical testing. Allele origin: germline. Affected: yes.
Comment: This variant is considered likely benign or benign based on one or more of the following criteria: it is a conservative change, it occurs at a poorly conserved position in the protein, it is predicted to be benign by multiple in silico algorithms, and/or has population frequency not consistent with disease.

Breakthrough Genomics
Classification: Benign. Review status: criteria provided, single submitter. Criteria: ACMG Guidelines, 2015. Collection method: not provided. Allele origin: germline. Inheritance: X-linked inheritance. Affected: yes.

PreventionGenetics, part of Exact Sciences
Classification: Benign for FLNA-related condition. Last evaluated: 2019-05-20. Review status: no assertion criteria provided. Collection method: clinical testing. Allele origin: germline. Not counted in ClinVar's aggregate classification.
Comment: This variant is classified as benign based on ACMG/AMP sequence variant interpretation guidelines (Richards et al. 2015 PMID: 25741868, with internal and published modifications).

Clinical Genetics DNA and cytogenetics Diagnostics Lab, Erasmus MC, Erasmus Medical Center
Classification: Benign. Review status: no assertion criteria provided. Collection method: clinical testing. Allele origin: germline. Affected: yes. Study: VKGL Data-share Consensus. Not counted in ClinVar's aggregate classification.

Genetic Services Laboratory, University of Chicago
Classification: Likely benign for AllHighlyPenetrant. Review status: no assertion criteria provided. Collection method: clinical testing. Allele origin: germline. Inheritance: X-linked inheritance. Not counted in ClinVar's aggregate classification.
Comment: Likely benign based on allele frequency in 1000 Genomes Project or ESP global frequency and its presence in a patient with a rare or unrelated disease phenotype. NOT Sanger confirmed.

Genome Diagnostics Laboratory, University Medical Center Utrecht
Classification: Benign. Review status: no assertion criteria provided. Collection method: clinical testing. Allele origin: germline. Affected: yes. Study: VKGL Data-share Consensus. Not counted in ClinVar's aggregate classification.

NM_001110556.2(FLNA):c.4233G>A (p.Ser1411=)

Gene: FLNA (filamin A; minus strand). Cytogenetic location: Xq28.
Variant type: single nucleotide variant.
Coding change: c.4233G>A on transcript NM_001110556.2 (MANE Select); coding-DNA position 4233, G replaced by A.
Protein change: p.Ser1411=; no amino-acid change (serine 1411 retained).
Molecular consequence: synonymous variant.
Genome position (GRCh38, 1-based): chrX:154,359,316, C>T on the plus strand (G>A on the coding strand, the complement: FLNA is on the minus strand). VCF-style: chrX-154359316-C-T. GRCh37 (hg19) VCF-style: chrX-153587684-C-T.
Other names: p.S1411S:TCG>TCA; p.Ser1411=; c.4233G>A (NM_001110556.1); c.4233G>A, p.Ser1411= (NM_001456.4).
Identifiers: ClinVar variation 129073 (VCV000129073.39), dbSNP rs34439033, ClinGen allele CA288864.